The following is an entry in ClinVar:

ClinVar aggregate classification (germline): Uncertain significance. Review status: criteria provided, multiple submitters, no conflicts (2 of 4 stars). 3 submissions from 3 submitters: Uncertain significance (3). Last evaluated 2025-09-23.

Conditions:
Schuurs-Hoeijmakers syndrome. Also called: PACS1-Related Neurodevelopmental Disorder. Identifiers: Orphanet 329224, MedGen C3554343, MONDO:0014006, OMIM 615009.

gnomAD v4.1: 1 of 1,613,718 alleles (0.000062%); highest among the groups gnomAD compares: Non-Finnish European, 0.000085%; no homozygotes.

Submissions (3):

Labcorp Genetics (formerly Invitae), Labcorp
Classification: Uncertain significance for Schuurs-Hoeijmakers syndrome. Last evaluated: 2025-09-23. Review status: criteria provided, single submitter. Criteria: Invitae Variant Classification Sherloc (09022015). Collection method: clinical testing. Allele origin: germline.
Comment: This sequence change falls in intron 23 of the PACS1 gene. It does not directly change the encoded amino acid sequence of the PACS1 protein. It affects a nucleotide within the consensus splice site. This variant is present in population databases (no rsID available, gnomAD 0.0009%). This variant has not been reported in the literature in individuals affected with PACS1-related conditions. ClinVar contains an entry for this variant (Variation ID: 1991358). Variants that disrupt the consensus splice site are a relatively common cause of aberrant splicing (PMID: 17576681, 9536098). Algorithms developed to predict the effect of sequence changes on RNA splicing suggest that this variant is not likely to affect RNA splicing. In summary, the available evidence is currently insufficient to determine the role of this variant in disease. Therefore, it has been classified as a Variant of Uncertain Significance.

Women's Health and Genetics/Laboratory Corporation of America, LabCorp
Classification: Uncertain significance. Last evaluated: 2024-07-18. Review status: criteria provided, single submitter. Criteria: LabCorp Variant Classification Summary - May 2015. Collection method: clinical testing. Allele origin: germline.
Comment: Variant summary: PACS1 c.2776+4C>T alters a non-conserved nucleotide located close to a canonical splice site and therefore could affect mRNA splicing, leading to a significantly altered protein sequence. Several computational tools predict a significant impact on normal splicing: Three predict the variant weakens a 5' donor site. Two predict the variant creates a 5' donor site. However, these predictions have yet to be confirmed by functional studies. The variant allele was found at a frequency of 4e-06 in 251154 control chromosomes. The available data on variant occurrences in the general population are insufficient to allow any conclusion about variant significance. To our knowledge, no occurrence of c.2776+4C>T in individuals affected with Schuurs-Hoeijmakers Syndrome and no experimental evidence demonstrating its impact on protein function have been reported. ClinVar contains an entry for this variant (Variation ID: 1991358). Based on the evidence outlined above, the variant was classified as uncertain significance.

GeneDx
Classification: Uncertain significance. Last evaluated: 2022-09-16. Review status: criteria provided, single submitter. Criteria: GeneDx Variant Classification Process June 2021. Collection method: clinical testing. Allele origin: germline. Affected: yes.
Comment: Has not been previously published as pathogenic or benign to our knowledge; In silico analysis suggests this variant may impact gene splicing. In the absence of RNA/functional studies, the actual effect of this sequence change is unknown.

Literature cited by the submitters: PubMed 17576681 (cited by Labcorp Genetics (formerly Invitae), Labcorp); PubMed 9536098 (cited by Labcorp Genetics (formerly Invitae), Labcorp).

NM_018026.4(PACS1):c.2776+4C>T

Gene: PACS1 (phosphofurin acidic cluster sorting protein 1; plus strand). Cytogenetic location: 11q13.2.
Variant type: single nucleotide variant.
Coding change: c.2776+4C>T on transcript NM_018026.4 (MANE Select); 4 bases into the intron after coding-DNA position 2776, C replaced by T.
Molecular consequence: intron variant.
Genome position (GRCh38, 1-based): chr11:66,243,035, C>T. VCF-style: chr11-66243035-C-T. GRCh37 (hg19) VCF-style: chr11-66010506-C-T.
Identifiers: ClinVar variation 1991358 (VCV001991358.6), dbSNP rs1390507164, ClinGen allele CA600231130.